The following is an entry in ClinVar:

NM_153717.3(EVC):c.2782G>C (p.Glu928Gln)

Gene: EVC (EvC ciliary complex subunit 1; plus strand). Cytogenetic location: 4p16.2.
Variant type: single nucleotide variant.
Coding change: c.2782G>C on transcript NM_153717.3 (MANE Select); coding-DNA position 2782, G replaced by C.
Protein change: p.Glu928Gln; replaces glutamic acid 928 with glutamine.
Molecular consequence: missense variant.
Genome position (GRCh38, 1-based): chr4:5,809,611, G>C. VCF-style: chr4-5809611-G-C. GRCh37 (hg19) VCF-style: chr4-5811338-G-C.
Other names: c.2782G>C, p.Glu928Gln (NM_001306090.2); short protein forms E928Q.
Identifiers: ClinVar variation 1039387 (VCV001039387.8), dbSNP rs1489027267, ClinGen allele CA356152961.
Genomic context (GRCh38, chr4:5,809,611, plus strand): 5'-GCCTTGGCCCGAGTGCCCCTTGCTGAAAGCAAACTGTTGCCTGCTAAGCGTGGGCTGCTA[G>C]GTGAGTCACAGATGCTTGAGTTGCAGCGGGAAGCACTCTGGGCTGAGAGATACGGATTCT-3'
Protein context (NP_714928.1, residues 918-938): KLLPAKRGLL[Glu928Gln]KPLRTKRKKP

ClinVar aggregate classification (germline): Uncertain significance. Review status: criteria provided, single submitter (1 of 4 stars). 2 submissions from 2 submitters: Uncertain significance (1). 1 of the submissions does not count toward it. Last evaluated 2022-02-04.

Conditions:
Ellis-van Creveld syndrome (EVC). Also called: EVC-Related Ellis-van Creveld Syndrome; EVC2-Related Ellis-van Creveld Syndrome; Chondroectodermal dysplasia; MESOECTODERMAL DYSPLASIA. Identifiers: Orphanet 289, MedGen C0013903, MONDO:0009162, OMIM 225500.
Curry-Hall syndrome (WAD). Also called: WEYERS ACRODENTAL DYSOSTOSIS. Identifiers: Orphanet 952, MedGen C0457013, MONDO:0008673, OMIM 193530.

Allele frequency attached by ClinVar (database versions not stated): gnomAD exomes below 0.00001; TOPMed 0.00001.
gnomAD v4.1: 3 of 1,614,018 alleles (0.00019%); highest among the groups gnomAD compares: Admixed American, 0.0033%; no homozygotes.

Submissions (2):

Labcorp Genetics (formerly Invitae), Labcorp
Classification: Uncertain significance for Curry-Hall syndrome; Ellis-van Creveld syndrome. Last evaluated: 2022-02-04. Review status: criteria provided, single submitter. Criteria: Invitae Variant Classification Sherloc (09022015). Collection method: clinical testing. Allele origin: germline.
Comment: This sequence change replaces glutamic acid, which is acidic and polar, with glutamine, which is neutral and polar, at codon 928 of the EVC protein (p.Glu928Gln). This variant also falls at the last nucleotide of exon 19, which is part of the consensus splice site for this exon. This variant is present in population databases (no rsID available, gnomAD 0.003%). This variant has not been reported in the literature in individuals affected with EVC-related conditions. ClinVar contains an entry for this variant (Variation ID: 1039387). Algorithms developed to predict the effect of missense changes on protein structure and function are either unavailable or do not agree on the potential impact of this missense change (SIFT: "Deleterious"; PolyPhen-2: "Benign"; Align-GVGD: "Class C0"). Variants that disrupt the consensus splice site are a relatively common cause of aberrant splicing (PMID: 17576681, 9536098). In summary, the available evidence is currently insufficient to determine the role of this variant in disease. Therefore, it has been classified as a Variant of Uncertain Significance.

Natera, Inc.
Classification: Uncertain significance for Ellis-van Creveld syndrome. Last evaluated: 2021-01-16. Review status: no assertion criteria provided. Collection method: clinical testing. Allele origin: germline. Not counted in ClinVar's aggregate classification.

Literature cited by the submitters: PubMed 17576681 (cited by Labcorp Genetics (formerly Invitae), Labcorp); PubMed 9536098 (cited by Labcorp Genetics (formerly Invitae), Labcorp).